The following is an entry in ClinVar:

NM_000393.5(COL5A2):c.3654_3671del (p.1219PPG[1])

Gene: COL5A2 (collagen type V alpha 2 chain; minus strand). Cytogenetic location: 2q32.2.
Variant type: Deletion.
Coding change: c.3654_3671del on transcript NM_000393.5 (MANE Select); coding-DNA positions 3654 to 3671, 18 bases deleted (CCCACCTGGCCCTCCGGG).
Protein change: p.1219PPG[1].
Genome position (GRCh38, 1-based): chr2:189,039,526-189,039,543, CCCGGAGGGCCAGGTGGG deleted on the plus strand (CCCACCTGGCCCTCCGGG on the coding strand, the reverse complement: COL5A2 is on the minus strand); deleting any 18 consecutive bases within chr2:189,039,526-189,039,545 gives the same sequence; the c. name uses the placement nearest the transcript's 3' end. VCF-style (leftmost placement, unchanged base first): chr2-189039525-ACCCGGAGGGCCAGGTGGG-A. GRCh37 (hg19) VCF-style: chr2-189904251-ACCCGGAGGGCCAGGTGGG-A.
Identifiers: ClinVar variation 4681568 (VCV004681568.5).

ClinVar aggregate classification (germline): Pathogenic (1 of 4 stars; one submission).

Submission:

CeGaT Center for Human Genetics Tuebingen
Classification: Pathogenic. Last evaluated: 2025-12-01. Review status: criteria provided, single submitter. Criteria: CeGaT Center For Human Genetics Tuebingen Variant Classification Criteria Version 2. Collection method: clinical testing. Allele origin: germline. Affected: yes. Observed: 1 variant allele.
Comment: COL5A2: PM1:Strong, PM2, PM4, PS2:Moderate